The following is an entry in ClinVar:

ClinVar aggregate classification (germline): Likely pathogenic (1 of 4 stars; one submission).

Conditions:
Autosomal recessive limb-girdle muscular dystrophy type 2J (LGMDR10). Also called: Limb-girdle muscular dystrophy, type 2J; MUSCULAR DYSTROPHY, LIMB-GIRDLE, AUTOSOMAL RECESSIVE 10. Identifiers: Orphanet 140922, MedGen C1837342, MONDO:0012127, OMIM 608807.
Dilated cardiomyopathy 1G (CMD1G). Identifiers: Orphanet 154, MedGen C1858763, MONDO:0011400, OMIM 604145.

Submission:

Labcorp Genetics (formerly Invitae), Labcorp
Classification: Likely pathogenic for Dilated cardiomyopathy 1G; Autosomal recessive limb-girdle muscular dystrophy type 2J. Last evaluated: 2024-04-30. Review status: criteria provided, single submitter. Criteria: Invitae Variant Classification Sherloc (09022015). Collection method: clinical testing. Allele origin: germline.
Comment: This sequence change inserts a large fragment of DNA, likely a transposable element, in exon 335 of the TTN gene (c.90133_90134ins?), causing a frameshift at codon 30045 (p.Thr30045fs). The exact size and sequence of the insertion cannot be determined by the current assay. While this is not anticipated to result in nonsense mediated decay, it is expected to create a truncated TTN protein. This variant is not present in population databases (gnomAD no frequency). This variant has not been reported in the literature in individuals affected with TTN-related conditions. This variant is located in the A band of TTN (PMID: 25589632). Truncating variants in this region are significantly overrepresented in patients affected with dilated cardiomyopathy (PMID: 25589632). Truncating variants in this region have also been reported in individuals affected with autosomal recessive centronuclear myopathy (PMID: 23975875). Retrotransposon insertions including LINE1 (L1), Alu, and SVA (SINE-VNTR-Alu) have been reported to disrupt protein function (PMID: 19763152, 20307669, 22406018). However the effect of this particular variant is unknown. In summary, the currently available evidence indicates that the variant is pathogenic, but additional data are needed to prove that conclusively. Therefore, this variant has been classified as Likely Pathogenic.

Literature cited by the submitters: PubMed 25589632; PubMed 23975875; PubMed 19763152; PubMed 20307669; PubMed 22406018.

NM_001267550.2(TTN):c.90133_90134insGGCCGGGCGCGGTGGCTCACGCCTGTAATCCCAGCACTTTGGGAGGCCGAGGCGGGCGGATCACGAGGNNNNNNNNNNAAAAAAAAAAAAAAAAAAAAGAAAGACTCAACAAAGA (p.Thr30045fs)

Genes: TTN-AS1 (TTN antisense RNA 1; plus strand), TTN (titin; minus strand). Cytogenetic location: 2q31.2.
Variant type: Insertion.
Coding change: c.90133_90134insGGCCGGGCGCGGTGGCTCACGCCTGTAATCCCAGCACTTTGGGAGGCCGAGGCGGGCGGATCACGAGGNNNNNNNNNNAAAAAAAAAAAAAAAAAAAAGAAAGACTCAACAAAGA on transcript NM_001267550.2 (MANE Select); coding-DNA positions 90133 to 90134, GGCCGGGCGCGGTGGCTCACGCCTGTAATCCCAGCACTTTGGGAGGCCGAGGCGGGCGGATCACGAGGNNNNNNNNNNAAAAAAAAAAAAAAAAAAAAGAAAGACTCAACAAAGA inserted.
Protein change: p.Thr30045fs; shifts the reading frame from threonine 30045.
Molecular consequence: frameshift variant.
Genome position: GRCh38: chr2:178,552,783-178,552,784. GRCh37 (hg19): chr2:179,417,510-179,417,511.
Other names: c.85210_85211insGGCCGGGCGCGGTGGCTCACGCCTGTAATCCCAGCACTTTGGGAGGCCGAGGCGGGCGGATCACGAGGNNNNNNNNNNAAAAAAAAAAAAAAAAAAAAGAAAGACTCAACAAAGA, p.Thr28404fs (NM_001256850.1); c.62938_62939insGGCCGGGCGCGGTGGCTCACGCCTGTAATCCCAGCACTTTGGGAGGCCGAGGCGGGCGGATCACGAGGNNNNNNNNNNAAAAAAAAAAAAAAAAAAAAGAAAGACTCAACAAAGA, p.Thr20980fs (NM_003319.4); c.82429_82430insGGCCGGGCGCGGTGGCTCACGCCTGTAATCCCAGCACTTTGGGAGGCCGAGGCGGGCGGATCACGAGGNNNNNNNNNNAAAAAAAAAAAAAAAAAAAAGAAAGACTCAACAAAGA, p.Thr27477fs (NM_133378.4); c.63313_63314insGGCCGGGCGCGGTGGCTCACGCCTGTAATCCCAGCACTTTGGGAGGCCGAGGCGGGCGGATCACGAGGNNNNNNNNNNAAAAAAAAAAAAAAAAAAAAGAAAGACTCAACAAAGA, p.Thr21105fs (NM_133432.3); c.63514_63515insGGCCGGGCGCGGTGGCTCACGCCTGTAATCCCAGCACTTTGGGAGGCCGAGGCGGGCGGATCACGAGGNNNNNNNNNNAAAAAAAAAAAAAAAAAAAAGAAAGACTCAACAAAGA, p.Thr21172fs (NM_133437.4); short protein forms T20980fs, T21105fs, T21172fs, T27477fs, T28404fs, T30045fs.
Identifiers: ClinVar variation 3754797 (VCV003754797.2).